The following is an entry in ClinVar:

NM_006059.4(LAMC3):c.708C>T (p.Ile236=)

Gene: LAMC3 (laminin subunit gamma 3; plus strand). Cytogenetic location: 9q34.12.
Variant type: single nucleotide variant.
Coding change: c.708C>T on transcript NM_006059.4 (MANE Select); coding-DNA position 708, C replaced by T.
Protein change: p.Ile236=; no amino-acid change (isoleucine 236 retained).
Molecular consequence: synonymous variant.
Genome position (GRCh38, 1-based): chr9:131,032,074, C>T. VCF-style: chr9-131032074-C-T. GRCh37 (hg19) VCF-style: chr9-133907461-C-T.
Identifiers: ClinVar variation 681102 (VCV000681102.11), dbSNP rs138847934, ClinGen allele CA5286785.

ClinVar aggregate classification (germline): Likely benign. Review status: criteria provided, multiple submitters, no conflicts (2 of 4 stars). 4 submissions from 4 submitters: Likely benign (4). Last evaluated 2026-08-09.

Conditions:
LAMC3-related disorder. Also called: LAMC3-related condition.

Allele frequency attached by ClinVar (database versions not stated): gnomAD 0.00018 and 0.00021; ESP Exome Variant Server 0.00023; TOPMed 0.00032; gnomAD exomes 0.00033 and 0.00047; ExAC 0.00044.
gnomAD v4.1: 521 of 1,614,122 alleles (0.032%); highest among the groups gnomAD compares: Middle Eastern, 0.28%; 2 homozygotes.

Submissions (4):

PreventionGenetics, part of Exact Sciences
Classification: Likely benign for LAMC3-related condition. Last evaluated: 2026-08-09. Review status: criteria provided, single submitter. Criteria: ACMG Guidelines, 2015. Collection method: clinical testing. Allele origin: germline.
Comment: This variant is classified as likely benign based on ACMG/AMP sequence variant interpretation guidelines (Richards et al. 2015 PMID: 25741868, with internal and published modifications).

Labcorp Genetics (formerly Invitae), Labcorp
Classification: Likely benign. Last evaluated: 2025-12-21. Review status: criteria provided, single submitter. Criteria: Invitae Variant Classification Sherloc (09022015). Collection method: clinical testing. Allele origin: germline.

GeneDx
Classification: Likely benign. Last evaluated: 2018-03-27. Review status: criteria provided, single submitter. Criteria: GeneDx Variant Classification (06012015). Collection method: clinical testing. Allele origin: germline. Affected: yes.
Comment: This variant is considered likely benign or benign based on one or more of the following criteria: it is a conservative change, it occurs at a poorly conserved position in the protein, it is predicted to be benign by multiple in silico algorithms, and/or has population frequency not consistent with disease.

Breakthrough Genomics
Classification: Likely benign. Review status: criteria provided, single submitter. Criteria: ACMG Guidelines, 2015. Collection method: not provided. Allele origin: germline. Inheritance: Autosomal recessive inheritance. Affected: yes.